The following is an entry in ClinVar:

NM_020937.4(FANCM):c.5397A>T (p.Arg1799Ser)

Gene: FANCM (FA complementation group M; plus strand). Cytogenetic location: 14q21.2.
Variant type: single nucleotide variant.
Coding change: c.5397A>T on transcript NM_020937.4 (MANE Select); coding-DNA position 5397, A replaced by T.
Protein change: p.Arg1799Ser; replaces arginine 1799 with serine.
Molecular consequence: missense variant.
Genome position (GRCh38, 1-based): chr14:45,196,228, A>T. VCF-style: chr14-45196228-A-T. GRCh37 (hg19) VCF-style: chr14-45665431-A-T.
Other names: c.5319A>T, p.Arg1773Ser (NM_001308133.2); short protein forms R1799S, R1773S.
Identifiers: ClinVar variation 1413314 (VCV001413314.8), dbSNP rs759165724, ClinGen allele CA7169996.

ClinVar aggregate classification (germline): Uncertain significance. Review status: criteria provided, multiple submitters, no conflicts (2 of 4 stars). 3 submissions from 3 submitters: Uncertain significance (3). Last evaluated 2025-05-21.

Conditions:
Spermatogenic failure 28. Identifiers: MedGen C4748117, MONDO:0054732, OMIM 618086.
Premature ovarian failure 15. Identifiers: MedGen C4748170, MONDO:0054862, OMIM 618096.
Fanconi anemia (FA). Also called: Fanconi's anemia. Identifiers: Orphanet 84, MedGen C0015625, MeSH D005199, MONDO:0019391.

Allele frequency attached by ClinVar (database versions not stated): ExAC 0.00001; gnomAD exomes below 0.00001; gnomAD 0.00001.
gnomAD v4.1: 11 of 1,613,910 alleles (0.00068%); highest among the groups gnomAD compares: Non-Finnish European, 0.00085%; no homozygotes.

Submissions (3):

Dasa
Classification: Uncertain significance. Last evaluated: 2025-05-21. Review status: criteria provided, single submitter. Criteria: DASA Assertion Criteria. Collection method: clinical testing. Allele origin: germline.
Comment: NM_020937.4(FANCM):c.5397A>T (p.Arg1799Ser) is a missense variant that results in the substitution of arginine with serine. Published studies describe this variant in association with related phenotype (PMID: 31991861). Also, this variant is rare in population databases. Computational prediction algorithms are consistent with a benign effect. The currently available literature and clinical evidence are not sufficient to establish a definitive association between this variant and the reported condition. Therefore, this variant is classified as a variant of uncertain significance.

Labcorp Genetics (formerly Invitae), Labcorp
Classification: Uncertain significance for Fanconi anemia. Last evaluated: 2022-01-25. Review status: criteria provided, single submitter. Criteria: Invitae Variant Classification Sherloc (09022015). Collection method: clinical testing. Allele origin: germline.
Comment: This sequence change replaces arginine, which is basic and polar, with serine, which is neutral and polar, at codon 1799 of the FANCM protein (p.Arg1799Ser). This variant is present in population databases (rs759165724, gnomAD 0.0009%). This variant has not been reported in the literature in individuals affected with FANCM-related conditions. Algorithms developed to predict the effect of missense changes on protein structure and function (SIFT, PolyPhen-2, Align-GVGD) all suggest that this variant is likely to be tolerated. In summary, the available evidence is currently insufficient to determine the role of this variant in disease. Therefore, it has been classified as a Variant of Uncertain Significance.

Fulgent Genetics
Classification: Uncertain significance for Spermatogenic failure 28; Premature ovarian failure 15. Last evaluated: 2021-09-15. Review status: criteria provided, single submitter. Criteria: ACMG Guidelines, 2015. Collection method: clinical testing. Allele origin: unknown.

Literature cited by the submitters: PubMed 31991861 (cited by Dasa).